The following is an entry in ClinVar:

ClinVar aggregate classification (germline): Uncertain significance (1 of 4 stars; one submission).

Submission:

Labcorp Genetics (formerly Invitae), Labcorp
Classification: Uncertain significance. Last evaluated: 2025-02-03. Review status: criteria provided, single submitter. Criteria: Invitae Variant Classification Sherloc (09022015). Collection method: clinical testing. Allele origin: germline.
Comment: This variant, c.2445_2450del, results in the deletion of 2 amino acid(s) of the CACNA1F protein (p.Glu824_Glu825del), but otherwise preserves the integrity of the reading frame. The frequency data for this variant in the population databases is considered unreliable, as metrics indicate poor data quality at this position in the gnomAD database. This variant has not been reported in the literature in individuals affected with CACNA1F-related conditions. ClinVar contains an entry for this variant (Variation ID: 1045597). Experimental studies and prediction algorithms are not available or were not evaluated, and the functional significance of this variant is currently unknown. In summary, the available evidence is currently insufficient to determine the role of this variant in disease. Therefore, it has been classified as a Variant of Uncertain Significance.

NM_001256789.3(CACNA1F):c.2412_2417del (p.Glu813_Glu814del)

Gene: CACNA1F (calcium voltage-gated channel subunit alpha1 F; minus strand). Cytogenetic location: Xp11.23.
Variant type: Deletion.
Coding change: c.2412_2417del on transcript NM_001256789.3 (MANE Select); coding-DNA positions 2412 to 2417, 6 bases deleted (AGAAGA; older notation c.2412_2417delAGAAGA).
Protein change: p.Glu813_Glu814del.
Molecular consequence: inframe deletion.
Genome position (GRCh38, 1-based): chrX:49,219,760-49,219,765, TCTTCT deleted on the plus strand (AGAAGA on the coding strand, the reverse complement: CACNA1F is on the minus strand); deleting any 6 consecutive bases within chrX:49,219,760-49,219,767 gives the same sequence; the c. name uses the placement nearest the transcript's 3' end. VCF-style (leftmost placement, unchanged base first): chrX-49219759-CTCTTCT-C. GRCh37 (hg19) VCF-style: chrX-49076218-CTCTTCT-C.
Other names: c.2250_2255del, p.Glu759_Glu760del (NM_001256790.3); c.2445_2450del, p.Glu824_Glu825del (NM_005183.4).
Identifiers: ClinVar variation 1045597 (VCV001045597.6), dbSNP rs375862263, ClinGen allele CA10410670.